The following is an entry in ClinVar:

NM_001048174.2(MUTYH):c.1459T>G (p.Ser487Ala)

Gene: MUTYH (mutY DNA glycosylase; minus strand). Cytogenetic location: 1p34.1.
Variant type: single nucleotide variant.
Coding change: c.1459T>G on transcript NM_001048174.2 (MANE Select); coding-DNA position 1459, T replaced by G.
Protein change: p.Ser487Ala; replaces serine 487 with alanine.
Molecular consequence: missense variant. On other transcripts: non-coding transcript variant (7).
Genome position (GRCh38, 1-based): chr1:45,329,413, A>C on the plus strand (T>G on the coding strand, the complement: MUTYH is on the minus strand). VCF-style: chr1-45329413-A-C. GRCh37 (hg19) VCF-style: chr1-45795085-A-C.
Other names: c.1459T>G, p.Ser487Ala (NM_001048171.2, NM_001048173.2, NM_001293195.2 and 6 more transcripts); c.1462T>G, p.Ser488Ala (NM_001048172.2, NM_001407071.1, NM_001407078.1 and 1 more transcripts); c.1543T>G, p.Ser515Ala (NM_001128425.2); c.1504T>G, p.Ser502Ala (NM_001293190.2); c.1492T>G, p.Ser498Ala (NM_001293191.2, NM_001407069.1, NM_001407077.1); c.1183T>G, p.Ser395Ala (NM_001293192.2, NM_001293196.2, NM_001407091.1); c.1114T>G, p.Ser372Ala (NM_001350650.2, NM_001350651.2, NM_001407082.1); c.1375T>G, p.Ser459Ala (NM_001407075.1); and 5 more; short protein forms S487A, S459A, S473A, S474A, S488A, S494A, S502A, S372A.
Identifiers: ClinVar variation 4113347 (VCV004113347.1).

ClinVar aggregate classification (germline): Uncertain significance (1 of 4 stars; one submission).

Conditions:
Hereditary cancer-predisposing syndrome. Also called: Tumor predisposition; Neoplastic Syndromes, Hereditary; Hereditary neoplastic syndrome; Hereditary Cancer Syndrome. Identifiers: Orphanet 140162, MedGen C0027672, MeSH D009386, MONDO:0015356.

Submission:

Ambry Genetics
Classification: Uncertain significance for Hereditary cancer-predisposing syndrome. Last evaluated: 2025-08-27. Review status: criteria provided, single submitter. Criteria: Ambry Variant Classification Scheme 2023. Collection method: clinical testing. Allele origin: germline.
Comment: The p.S515A variant (also known as c.1543T>G), located in coding exon 16 of the MUTYH gene, results from a T to G substitution at nucleotide position 1543. The serine at codon 515 is replaced by alanine, an amino acid with similar properties. This amino acid position is conserved. In addition, this alteration is predicted to be tolerated by in silico analysis. Based on the available evidence, the clinical significance of this variant remains unclear.